The following is an entry in ClinVar:

NM_030777.4(SLC2A10):c.1276G>T (p.Gly426Trp)

Gene: SLC2A10 (solute carrier family 2 member 10; plus strand). Cytogenetic location: 20q13.12.
Variant type: single nucleotide variant.
Coding change: c.1276G>T on transcript NM_030777.4 (MANE Select); coding-DNA position 1276, G replaced by T.
Protein change: p.Gly426Trp; replaces glycine 426 with tryptophan.
Molecular consequence: missense variant.
Genome position (GRCh38, 1-based): chr20:46,726,312, G>T. VCF-style: chr20-46726312-G-T. GRCh37 (hg19) VCF-style: chr20-45354951-G-T.
Other names: p.G426W:GGG>TGG; short protein forms G426W.
Identifiers: ClinVar variation 4589 (VCV000004589.71), dbSNP rs121908172, ClinGen allele CA324232.

ClinVar aggregate classification (germline): Pathogenic/Likely pathogenic. Review status: criteria provided, multiple submitters, no conflicts (2 of 4 stars). 9 submissions from 9 submitters: Pathogenic (3); Likely pathogenic (4). 2 of the submissions do not count toward it. Last evaluated 2026-10-15.

Conditions:
Paediatric disorders.
Familial thoracic aortic aneurysm and aortic dissection (TAAD). Also called: Thoracic aortic aneurysms and dissections. Identifiers: Orphanet 91387, MedGen C4707243, MONDO:0019625.
Arterial tortuosity syndrome (ATORS). Identifiers: Orphanet 3342, MedGen C1859726, MONDO:0008818, OMIM 208050.

Allele frequency attached by ClinVar (database versions not stated): gnomAD exomes 0.00002 and below 0.00001; gnomAD 0.00003 and 0.00004; TOPMed 0.00002; ExAC 0.00003.
gnomAD v4.1: 33 of 1,609,532 alleles (0.0021%); highest among the groups gnomAD compares: Non-Finnish European, 0.0028%; no homozygotes.

Submissions (9):

GeneDx
Classification: Likely pathogenic. Last evaluated: 2026-10-15. Review status: criteria provided, single submitter. Criteria: GeneDx Variant Classification Process June 2021. Collection method: clinical testing. Allele origin: germline.
Comment: Not observed at significant frequency in large population cohorts (gnomAD); In silico analysis supports that this missense variant has a deleterious effect on protein structure/function; This variant is associated with the following publications: (PMID: 30090112, 17935213, 35186825, 29907982, 42589462, 36578839)

North West Genomic Laboratory Hub, Manchester University NHS Foundation Trust
Classification: Pathogenic for Paediatric disorders. Last evaluated: 2026-05-12. Review status: criteria provided, single submitter. Criteria: ACGS Best Practice Guidelines for Variant Classification in Rare Disease 2024. Collection method: clinical testing. Allele origin: germline. Affected: yes.
Comment: PM3_VStr PM2_Mod PP3_Supp

Labcorp Genetics (formerly Invitae), Labcorp
Classification: Pathogenic for Arterial tortuosity syndrome. Last evaluated: 2025-10-06. Review status: criteria provided, single submitter. Criteria: Invitae Variant Classification Sherloc (09022015). Collection method: clinical testing. Allele origin: germline.
Comment: This sequence change replaces glycine, which is neutral and non-polar, with tryptophan, which is neutral and slightly polar, at codon 426 of the SLC2A10 protein (p.Gly426Trp). The frequency data for this variant in the population databases is considered unreliable, as metrics indicate poor data quality at this position in the gnomAD database. This missense change has been observed in individual(s) with arterial tortuosity syndrome and/or thoracic aortic aneurysm (PMID: 17935213, 29907982). In at least one individual the data is consistent with being in trans (on the opposite chromosome) from a pathogenic variant. It has also been observed to segregate with disease in related individuals. ClinVar contains an entry for this variant (Variation ID: 4589). Invitae Evidence Modeling of protein sequence and biophysical properties (such as structural, functional, and spatial information, amino acid conservation, physicochemical variation, residue mobility, and thermodynamic stability) indicates that this missense variant is expected to disrupt SLC2A10 protein function with a positive predictive value of 95%. For these reasons, this variant has been classified as Pathogenic.

Fulgent Genetics
Classification: Likely pathogenic for Arterial tortuosity syndrome. Last evaluated: 2024-05-02. Review status: criteria provided, single submitter. Criteria: ACMG Guidelines, 2015. Collection method: clinical testing. Allele origin: germline.

Centre of Medical Genetics, University Hospital Muenster
Classification: Likely pathogenic for Arterial tortuosity syndrome. Last evaluated: 2022-02-08. Review status: criteria provided, single submitter. Criteria: ACMG Guidelines, 2015. Collection method: clinical testing. Allele origin: germline. Affected: yes. Observed: 1 variant allele, 1 heterozygote.
Comment: ACMG categories: PM1,PM2,PP3,PP5

Ambry Genetics
Classification: Pathogenic for Familial thoracic aortic aneurysm and aortic dissection. Last evaluated: 2019-12-06. Review status: criteria provided, single submitter. Criteria: Ambry Variant Classification Scheme 2023. Collection method: clinical testing. Allele origin: germline.
Comment: The p.G426W pathogenic mutation (also known as c.1276G>T), located in coding exon 2 of the SLC2A10 gene, results from a G to T substitution at nucleotide position 1276. The glycine at codon 426 is replaced by tryptophan, an amino acid with highly dissimilar properties. This variant has been detected in three probands with arterial tortuosity syndrome (ATS) who also had a second SLC2A10 variant in trans, one of which was a frameshift alteration (Callewaert BL et al. Hum. Mutat., 2008 Jan;29:150-8). This variant has also been detected in the homozygous state in a pediatric proband with features consistent with ATS (Overwater E et al. Hum. Mutat., 2018 09;39:1173-1192). Based on the supporting evidence, this alteration is interpreted as a disease-causing mutation.

Laboratory for Molecular Medicine, Mass General Brigham Personalized Medicine
Classification: Likely pathogenic for Arterial tortuosity syndrome. Last evaluated: 2019-04-16. Review status: criteria provided, single submitter. Criteria: ACMG Guidelines, 2015. Collection method: clinical testing. Allele origin: germline. Inheritance: Autosomal recessive inheritance.
Comment: The p.Gly426Trp variant in SLC2A10 has been reported in 3 compound heterozygous and 1 homozygous individuals with arterial tortuosity syndrome (Callewaert 2008, Overwater 2018). It has also been identified in 1/110674 European chromosomes by gnomAD. This variant has also been reported in ClinVar (Variation ID 4589). Computational prediction tools and conservation analysis suggest that this variant may impact the protein, though this information is not predictive enough to determine pathogenicity. This variant is located in the TMD10 functional domain of the SLC2A10 gene (Callewaert 2008). In summary, this variant meets criteria to be classified as likely pathogenic for autosomal recessive arterial tortuosity syndrome. ACMG/AMP Criteria applied: PM2, PP3, PM3_Strong.

OMIM
Classification: Pathogenic for ARTERIAL TORTUOSITY SYNDROME. Last evaluated: 2008-01-01. Review status: no assertion criteria provided. Collection method: literature only. Allele origin: germline. Not counted in ClinVar's aggregate classification.

GeneReviews
No classification provided. Condition: Arterial tortuosity syndrome. Review status: no classification provided. Collection method: literature only. Allele origin: germline. Affected: yes. Not counted in ClinVar's aggregate classification.

Literature cited by the submitters: PubMed 17935213 (cited by 5 submitters); PubMed 29907982 (cited by 3 submitters); PubMed 30090112 (cited by Laboratory for Molecular Medicine, Mass General Brigham Personalized Medicine); NCBI Bookshelf NBK253404 (cited by GeneReviews).